The following is an entry in ClinVar:

NM_213655.5(WNK1):c.3568G>A (p.Gly1190Arg)

Gene: WNK1 (WNK lysine deficient protein kinase 1; plus strand). Cytogenetic location: 12p13.33.
Variant type: single nucleotide variant.
Coding change: c.3568G>A on transcript NM_213655.5 (MANE Plus Clinical); coding-DNA position 3568, G replaced by A.
Protein change: p.Gly1190Arg; replaces glycine 1190 with arginine.
Molecular consequence: missense variant. On other transcripts: intron variant (2).
Genome position (GRCh38, 1-based): chr12:869,039, G>A. VCF-style: chr12-869039-G-A. GRCh37 (hg19) VCF-style: chr12-978205-G-A.
Other names: c.3313G>A, p.Gly1105Arg (NM_001184985.2); c.2140-2226G>A (NM_018979.4, NM_014823.3); short protein forms G1105R, G1190R.
Identifiers: ClinVar variation 860047 (VCV000860047.9), dbSNP rs770683506, ClinGen allele CA6382376.
Genomic context (GRCh38, chr12:869,039, plus strand): 5'-TTTATCCATCTGCCTCAGACAGTGTTACAAGAATCCCCACTTTTCTTCTGTTTCCCCCAA[G>A]GAACCACATCTCAGCAGGTCTTAACTGCCTCATTTTCTTCAGGAGGATCTGCACTTCATC-3'
Protein context (NP_998820.3, residues 1180-1200): ESPLFFCFPQ[Gly1190Arg]TTSQQVLTAS

ClinVar aggregate classification (germline): Uncertain significance (1 of 4 stars; one submission).

Conditions:
Pseudohypoaldosteronism type 2C (PHA2C). Also called: Pseudohypoaldosteronism Type IIC. Identifiers: Orphanet 757, Orphanet 88940, MedGen C1840391, MONDO:0013778, OMIM 614492.
Neuropathy, hereditary sensory and autonomic, type 2A (HSAN2A). Also called: ACROOSTEOLYSIS, GIACCAI TYPE; ACROOSTEOLYSIS, NEUROGENIC; MORVAN DISEASE; NEUROPATHY, CONGENITAL SENSORY; NEUROPATHY, HEREDITARY SENSORY RADICULAR, AUTOSOMAL RECESSIVE; NEUROPATHY, HEREDITARY SENSORY, TYPE IIA. Identifiers: Orphanet 970, MedGen C2752089, MONDO:0024309, OMIM 201300.

Allele frequency attached by ClinVar (database versions not stated): ExAC 0.00001; gnomAD exomes 0.00001; TOPMed 0.00002; gnomAD 0.00003.
gnomAD v4.1: 23 of 1,612,790 alleles (0.0014%); highest among the groups gnomAD compares: Non-Finnish European, 0.0019%; no homozygotes.

Submission:

Labcorp Genetics (formerly Invitae), Labcorp
Classification: Uncertain significance for Neuropathy, hereditary sensory and autonomic, type 2A; Pseudohypoaldosteronism type 2C. Last evaluated: 2025-07-14. Review status: criteria provided, single submitter. Criteria: Invitae Variant Classification Sherloc (09022015). Collection method: clinical testing. Allele origin: germline.
Comment: This sequence change replaces glycine, which is neutral and non-polar, with arginine, which is basic and polar, at codon 1190 of the WNK1 protein (p.Gly1190Arg). This variant is present in population databases (rs770683506, gnomAD 0.003%). This variant has not been reported in the literature in individuals affected with WNK1-related conditions. ClinVar contains an entry for this variant (Variation ID: 860047). Invitae Evidence Modeling of protein sequence and biophysical properties (such as structural, functional, and spatial information, amino acid conservation, physicochemical variation, residue mobility, and thermodynamic stability) indicates that this missense variant is not expected to disrupt WNK1 protein function with a negative predictive value of 95%. In summary, the available evidence is currently insufficient to determine the role of this variant in disease. Therefore, it has been classified as a Variant of Uncertain Significance.